The following is an entry in ClinVar:

ClinVar aggregate classification (germline): Conflicting classifications of pathogenicity. Review status: criteria provided, conflicting classifications (1 of 4 stars). 2 submissions from 2 submitters: Uncertain significance (1); Likely benign (1). Last evaluated 2025-09-01.

Conditions:
Inborn genetic diseases. Identifiers: MedGen C0950123, MeSH D030342.

Allele frequency attached by ClinVar (database versions not stated): gnomAD exomes 0.00001; TOPMed 0.00015; gnomAD 0.00017.
gnomAD v4.1: 45 of 1,533,790 alleles (0.0029%); highest among the groups gnomAD compares: African/African-American, 0.049%; no homozygotes.

Submissions (2):

CeGaT Center for Human Genetics Tuebingen
Classification: Likely benign. Last evaluated: 2025-09-01. Review status: criteria provided, single submitter. Criteria: CeGaT Center For Human Genetics Tuebingen Variant Classification Criteria Version 2. Collection method: clinical testing. Allele origin: germline. Affected: yes. Observed: 1 variant allele.
Comment: ATN1: BS2

Ambry Genetics
Classification: Uncertain significance for Inborn genetic diseases. Last evaluated: 2023-03-21. Review status: criteria provided, single submitter. Criteria: Ambry Variant Classification Scheme 2023. Collection method: clinical testing. Allele origin: germline.

NM_001940.4(ATN1):c.2260G>A (p.Val754Ile)

Gene: ATN1 (atrophin 1; plus strand). Cytogenetic location: 12p13.31.
Variant type: single nucleotide variant.
Coding change: c.2260G>A on transcript NM_001940.4 (MANE Select); coding-DNA position 2260, G replaced by A.
Protein change: p.Val754Ile; replaces valine 754 with isoleucine.
Molecular consequence: missense variant.
Genome position (GRCh38, 1-based): chr12:6,937,527, G>A. VCF-style: chr12-6937527-G-A. GRCh37 (hg19) VCF-style: chr12-7046690-G-A.
Other names: c.2260G>A, p.Val754Ile (NM_001007026.2); short protein forms V754I.
Identifiers: ClinVar variation 2522231 (VCV002522231.9), dbSNP rs1046932020, ClinGen allele CA232429154.